The following is an entry in ClinVar:

ClinVar aggregate classification (germline): Uncertain significance. Review status: criteria provided, multiple submitters, no conflicts (2 of 4 stars). 4 submissions from 4 submitters: Uncertain significance (4). Last evaluated 2024-11-13.

Conditions:
Cardiovascular phenotype. Identifiers: MedGen CN230736.
Hypercholesterolemia, autosomal dominant, 3 (FHCL3). Also called: Familial Hypercholesterolemia, Autosomal Dominant, 3; PCSK9-Related Familial Hypercholesterolemia, Autosomal Dominant; Familial hypercholesterolemia 3. Identifiers: MedGen C1863551, MONDO:0011369, OMIM 603776.

Allele frequency attached by ClinVar (database versions not stated): TOPMed 0.00003; gnomAD 0.00004; 1000 Genomes Project 30x 0.00016; 1000 Genomes Project 0.00020.
gnomAD v4.1: 9 of 1,612,122 alleles (0.00056%); highest among the groups gnomAD compares: African/African-American, 0.011%; no homozygotes.

Submissions (4):

Ambry Genetics
Classification: Uncertain significance for Cardiovascular phenotype. Last evaluated: 2024-11-13. Review status: criteria provided, single submitter. Criteria: Ambry Variant Classification Scheme 2023. Collection method: clinical testing. Allele origin: germline.
Comment: The p.G466E variant (also known as c.1397G>A), located in coding exon 9 of the PCSK9 gene, results from a G to A substitution at nucleotide position 1397. The glycine at codon 466 is replaced by glutamic acid, an amino acid with similar properties. This amino acid position is well conserved in available vertebrate species; however, glutamic acid is the reference amino acid in other vertebrate species. In addition, the in silico prediction for this alteration is inconclusive. Since supporting evidence is limited at this time, the clinical significance of this alteration remains unclear.

All of Us Research Program, National Institutes of Health
Classification: Uncertain significance for Hypercholesterolemia, autosomal dominant, 3. Last evaluated: 2024-07-20. Review status: criteria provided, single submitter. Criteria: ACMG Guidelines, 2015. Collection method: clinical testing. Allele origin: germline. Inheritance: Autosomal dominant inheritance. Observed: 1 variant allele, 1 heterozygote.
Comment: This missense variant replaces glycine with glutamic acid at codon 466 of the PCSK9 protein. Computational prediction tools indicate that this variant's impact on protein structure and function is inconclusive. To our knowledge, functional studies have not been reported for this variant. This variant has been reported in association with hypocholesterolemia in an American Indian population (PMID: 25412415). This variant has been identified in 3/282760 chromosomes in the general population by the Genome Aggregation Database (gnomAD). The available evidence is insufficient to determine the role of this variant in disease conclusively. Therefore, this variant is classified as a Variant of Uncertain Significance.

This study involves interpretation of variants in research participants for the purpose of population health screening. Participant phenotype was not available at the time of variant classification. Additional details can be found in publication PMID: 35346344, PMCID: PMC8962531

Labcorp Genetics (formerly Invitae), Labcorp
Classification: Uncertain significance for Hypercholesterolemia, autosomal dominant, 3. Last evaluated: 2024-05-07. Review status: criteria provided, single submitter. Criteria: Invitae Variant Classification Sherloc (09022015). Collection method: clinical testing. Allele origin: germline.
Comment: This sequence change replaces glycine, which is neutral and non-polar, with glutamic acid, which is acidic and polar, at codon 466 of the PCSK9 protein (p.Gly466Glu). This variant is present in population databases (rs72646517, gnomAD 0.008%). This variant has not been reported in the literature in individuals affected with PCSK9-related conditions. ClinVar contains an entry for this variant (Variation ID: 1771660). Advanced modeling of protein sequence and biophysical properties (such as structural, functional, and spatial information, amino acid conservation, physicochemical variation, residue mobility, and thermodynamic stability) performed at Invitae indicates that this missense variant is not expected to disrupt PCSK9 protein function with a negative predictive value of 80%. In summary, the available evidence is currently insufficient to determine the role of this variant in disease. Therefore, it has been classified as a Variant of Uncertain Significance.

Revvity Omics, Revvity
Classification: Uncertain significance for Hypercholesterolemia, autosomal dominant, 3. Last evaluated: 2019-07-30. Review status: criteria provided, single submitter. Criteria: ACMG Guidelines, 2015. Collection method: clinical testing. Allele origin: germline.

Literature cited by the submitters: PubMed 25412415 (cited by All of Us Research Program, National Institutes of Health).

NM_174936.4(PCSK9):c.1397G>A (p.Gly466Glu)

Gene: PCSK9 (proprotein convertase subtilisin/kexin type 9; plus strand). Cytogenetic location: 1p32.3.
Variant type: single nucleotide variant.
Coding change: c.1397G>A on transcript NM_174936.4 (MANE Select); coding-DNA position 1397, G replaced by A.
Protein change: p.Gly466Glu; replaces glycine 466 with glutamic acid.
Molecular consequence: missense variant.
Genome position (GRCh38, 1-based): chr1:55,058,541, G>A. VCF-style: chr1-55058541-G-A. GRCh37 (hg19) VCF-style: chr1-55524214-G-A.
Other names: c.1520G>A, p.Gly507Glu (NM_001407240.1); c.1397G>A, p.Gly466Glu (NM_001407241.1); c.1400G>A, p.Gly467Glu (NM_001407242.1); c.1340G>A, p.Gly447Glu (NM_001407243.1); c.1223G>A, p.Gly408Glu (NM_001407244.1); c.1205G>A, p.Gly402Glu (NM_001407245.1); c.1022G>A, p.Gly341Glu (NM_001407246.1); short protein forms G466E, G408E, G402E, G467E, G341E, G447E, G507E.
Identifiers: ClinVar variation 1771660 (VCV001771660.9), dbSNP rs72646517, ClinGen allele CA22764497.